The following is an entry in ClinVar:

ClinVar aggregate classification (germline): Uncertain significance (1 of 4 stars; one submission).

Conditions:
Primary ciliary dyskinesia 6. Also called: Primary Ciliary Dyskinesia 6: TXNDC3-Related Primary Ciliary Dyskinesia. Identifiers: Orphanet 244, MedGen C1970506, MONDO:0012571, OMIM 610852.

Allele frequency attached by ClinVar (database versions not stated): gnomAD exomes below 0.00001; TOPMed below 0.00001; ExAC 0.00001; gnomAD 0.00001.
gnomAD v4.1: 8 of 1,613,360 alleles (0.0005%); highest among the groups gnomAD compares: Middle Eastern, 0.016%; no homozygotes.

Submission:

Labcorp Genetics (formerly Invitae), Labcorp
Classification: Uncertain significance for Primary ciliary dyskinesia 6. Last evaluated: 2023-08-22. Review status: criteria provided, single submitter. Criteria: Invitae Variant Classification Sherloc (09022015). Collection method: clinical testing. Allele origin: germline.
Comment: Advanced modeling of protein sequence and biophysical properties (such as structural, functional, and spatial information, amino acid conservation, physicochemical variation, residue mobility, and thermodynamic stability) performed at Invitae indicates that this missense variant is not expected to disrupt NME8 protein function. In summary, the available evidence is currently insufficient to determine the role of this variant in disease. Therefore, it has been classified as a Variant of Uncertain Significance. This variant has not been reported in the literature in individuals affected with NME8-related conditions. The frequency data for this variant in the population databases is considered unreliable, as metrics indicate poor data quality at this position in the gnomAD database. This sequence change replaces methionine, which is neutral and non-polar, with valine, which is neutral and non-polar, at codon 519 of the NME8 protein (p.Met519Val).

NM_016616.5(NME8):c.1555A>G (p.Met519Val)

Gene: NME8 (NME/NM23 family member 8; plus strand). Cytogenetic location: 7p14.1.
Variant type: single nucleotide variant.
Coding change: c.1555A>G on transcript NM_016616.5 (MANE Select); coding-DNA position 1555, A replaced by G.
Protein change: p.Met519Val; replaces methionine 519 with valine.
Molecular consequence: missense variant.
Genome position (GRCh38, 1-based): chr7:37,896,880, A>G. VCF-style: chr7-37896880-A-G. GRCh37 (hg19) VCF-style: chr7-37936482-A-G.
Other names: short protein forms M519V.
Identifiers: ClinVar variation 2987761 (VCV002987761.3), dbSNP rs759926208, ClinGen allele CA4222570.